The following is an entry in ClinVar:

ClinVar aggregate classification (germline): Benign/Likely benign. Review status: criteria provided, multiple submitters, no conflicts (2 of 4 stars). 12 submissions from 11 submitters: Benign (10); Likely benign (1). 1 of the submissions does not count toward it. Last evaluated 2026-09-01.

Conditions:
Charcot-Marie-Tooth disease. Also called: Charcot-Marie-Tooth Hereditary Neuropathy; Charcot-Marie-Tooth Neuropathy. Identifiers: Orphanet 166, MedGen C0007959, MONDO:0015626.
Charcot-Marie-Tooth disease type 2. Also called: Charcot-Marie-Tooth type 2. Identifiers: Orphanet 64746, MedGen C0270914, MONDO:0018993.
Hereditary motor and sensory neuropathy with optic atrophy. Also called: CHARCOT-MARIE-TOOTH DISEASE, TYPE 6; PERIPHERAL NEUROPATHY AND OPTIC ATROPHY. Identifiers: Orphanet 90120, MedGen C0393807, MONDO:0019551.

Allele frequency attached by ClinVar (database versions not stated): 1000 Genomes Project 30x 0.00390; 1000 Genomes Project 0.00439; TOPMed 0.00620; gnomAD 0.00684 and 0.00690; gnomAD exomes 0.00762 and 0.01070; ExAC 0.00814; ESP Exome Variant Server 0.00815.
gnomAD v4.1: 16,496 of 1,614,198 alleles (1%); highest among the groups gnomAD compares: Non-Finnish European, 1.2%; 126 homozygotes.

Submissions 1 to 28 of 80:

CeGaT Center for Human Genetics Tuebingen
Classification: Benign. Last evaluated: 2026-09-01. Review status: criteria provided, single submitter. Criteria: CeGaT Center For Human Genetics Tuebingen Variant Classification Criteria Version 2. Collection method: clinical testing. Allele origin: germline. Affected: yes. Observed: 45 variant alleles.
Comment: MFN2: PP3, BS1, BS2

Labcorp Genetics (formerly Invitae), Labcorp
Classification: Benign for Charcot-Marie-Tooth disease type 2. Last evaluated: 2026-02-02. Review status: criteria provided, single submitter. Criteria: Invitae Variant Classification Sherloc (09022015). Collection method: clinical testing. Allele origin: germline.

ARUP Laboratories, Molecular Genetics and Genomics, ARUP Laboratories
Classification: Benign. Last evaluated: 2025-02-11. Review status: criteria provided, single submitter. Criteria: ARUP Molecular Germline Variant Investigation Process 2024. Collection method: clinical testing. Allele origin: germline.

Athena Diagnostics
Classification: Benign. Last evaluated: 2024-01-19. Review status: criteria provided, single submitter. Criteria: Athena Diagnostics Criteria. Collection method: clinical testing. Allele origin: unknown.

Mayo Clinic Laboratories, Mayo Clinic
Classification: Benign. Last evaluated: 2022-10-13. Review status: criteria provided, single submitter. Criteria: ACMG Guidelines, 2015. Collection method: clinical testing. Allele origin: germline. Observed: 45 variant alleles.

Illumina Laboratory Services, Illumina
Classification: Benign for Neuropathy, hereditary motor and sensory, type 6A. Last evaluated: 2018-01-12. Review status: criteria provided, single submitter. Criteria: ICSL Variant Classification Criteria 13 December 2019. Collection method: clinical testing. Allele origin: germline.
Comment: This variant was observed in the ICSL laboratory as part of a predisposition screen in an ostensibly healthy population. It had not been previously curated by ICSL or reported in the Human Gene Mutation Database (HGMD: prior to June 1st, 2018), and was therefore a candidate for classification through an automated scoring system. Utilizing variant allele frequency, disease prevalence and penetrance estimates, and inheritance mode, an automated score was calculated to assess if this variant is too frequent to cause the disease. Based on the score and internal cut-off values, a variant classified as benign is not then subjected to further curation. The score for this variant resulted in a classification of benign for this disease.

Illumina Laboratory Services, Illumina
Classification: Benign for Charcot-Marie-Tooth disease, type 2. Last evaluated: 2018-01-12. Review status: criteria provided, single submitter. Criteria: ICSL Variant Classification Criteria 13 December 2019. Collection method: clinical testing. Allele origin: germline.
Comment: the same text as in the submission from Illumina Laboratory Services, Illumina above.

GeneDx
Classification: Benign. Last evaluated: 2013-11-26. Review status: criteria provided, single submitter. Criteria: GeneDx Variant Classification (06012015). Collection method: clinical testing. Allele origin: germline. Affected: yes.
Comment: This variant is considered likely benign or benign based on one or more of the following criteria: it is a conservative change, it occurs at a poorly conserved position in the protein, it is predicted to be benign by multiple in silico algorithms, and/or has population frequency not consistent with disease.

Breakthrough Genomics
Classification: Likely benign. Review status: criteria provided, single submitter. Criteria: ACMG Guidelines, 2015. Collection method: not provided. Allele origin: germline. Inheritance: Autosomal recessive inheritance. Affected: yes.

Molecular Genetics Laboratory, London Health Sciences Centre
Classification: Benign for Charcot-Marie-Tooth disease. Review status: criteria provided, single submitter. Criteria: ACMG Guidelines, 2015. Collection method: clinical testing. Allele origin: germline. Affected: yes.

PreventionGenetics, part of Exact Sciences
Classification: Benign. Review status: criteria provided, single submitter. Criteria: ACMG Guidelines, 2015. Collection method: clinical testing. Allele origin: germline.

Dr. Peter K. Rogan Lab, Western University
No classification provided (evidence only). Condition: Gastric cancer. Review status: no classification provided. Collection method: in vitro. Allele origin: not applicable. Functional consequence: retained intron. Not counted in ClinVar's aggregate classification.

Dr. Peter K. Rogan Lab, Western University
No classification provided (evidence only). Condition: Gastric cancer. Review status: no classification provided. Collection method: in vitro. Allele origin: not applicable. Functional consequence: retained intron. Not counted in ClinVar's aggregate classification.

Dr. Peter K. Rogan Lab, Western University
No classification provided (evidence only). Condition: Gastric cancer. Review status: no classification provided. Collection method: in vitro. Allele origin: not applicable. Functional consequence: retained intron. Not counted in ClinVar's aggregate classification.

Dr. Peter K. Rogan Lab, Western University
No classification provided (evidence only). Condition: Gastric cancer. Review status: no classification provided. Collection method: in vitro. Allele origin: not applicable. Functional consequence: retained intron. Not counted in ClinVar's aggregate classification.

Dr. Peter K. Rogan Lab, Western University
No classification provided (evidence only). Condition: Gastric cancer. Review status: no classification provided. Collection method: in vitro. Allele origin: not applicable. Functional consequence: retained intron. Not counted in ClinVar's aggregate classification.

Dr. Peter K. Rogan Lab, Western University
No classification provided (evidence only). Condition: Gastric cancer. Review status: no classification provided. Collection method: in vitro. Allele origin: not applicable. Functional consequence: retained intron. Not counted in ClinVar's aggregate classification.

Dr. Peter K. Rogan Lab, Western University
No classification provided (evidence only). Condition: Gastric cancer. Review status: no classification provided. Collection method: in vitro. Allele origin: not applicable. Functional consequence: retained intron. Not counted in ClinVar's aggregate classification.

Dr. Peter K. Rogan Lab, Western University
No classification provided (evidence only). Condition: Gastric cancer. Review status: no classification provided. Collection method: in vitro. Allele origin: not applicable. Functional consequence: retained intron. Not counted in ClinVar's aggregate classification.

Dr. Peter K. Rogan Lab, Western University
No classification provided (evidence only). Condition: Gastric cancer. Review status: no classification provided. Collection method: in vitro. Allele origin: not applicable. Functional consequence: retained intron. Not counted in ClinVar's aggregate classification.

Dr. Peter K. Rogan Lab, Western University
No classification provided (evidence only). Condition: Gastric cancer. Review status: no classification provided. Collection method: in vitro. Allele origin: not applicable. Functional consequence: retained intron. Not counted in ClinVar's aggregate classification.

Dr. Peter K. Rogan Lab, Western University
No classification provided (evidence only). Condition: Gastric cancer. Review status: no classification provided. Collection method: in vitro. Allele origin: not applicable. Functional consequence: retained intron. Not counted in ClinVar's aggregate classification.

Dr. Peter K. Rogan Lab, Western University
No classification provided (evidence only). Condition: Uterine carcinosarcoma. Review status: no classification provided. Collection method: in vitro. Allele origin: not applicable. Functional consequence: retained intron. Not counted in ClinVar's aggregate classification.

Dr. Peter K. Rogan Lab, Western University
No classification provided (evidence only). Condition: Uveal melanoma. Review status: no classification provided. Collection method: in vitro. Allele origin: not applicable. Functional consequence: retained intron. Not counted in ClinVar's aggregate classification.

Dr. Peter K. Rogan Lab, Western University
No classification provided (evidence only). Condition: Malignant tumor of esophagus. Review status: no classification provided. Collection method: in vitro. Allele origin: not applicable. Functional consequence: retained intron. Not counted in ClinVar's aggregate classification.

Dr. Peter K. Rogan Lab, Western University
No classification provided (evidence only). Condition: Clear cell carcinoma of kidney. Review status: no classification provided. Collection method: in vitro. Allele origin: not applicable. Functional consequence: retained intron. Not counted in ClinVar's aggregate classification.

Dr. Peter K. Rogan Lab, Western University
No classification provided (evidence only). Condition: Lung cancer. Review status: no classification provided. Collection method: in vitro. Allele origin: not applicable. Functional consequence: retained intron. Not counted in ClinVar's aggregate classification.

Dr. Peter K. Rogan Lab, Western University
No classification provided (evidence only). Condition: Lung cancer. Review status: no classification provided. Collection method: in vitro. Allele origin: not applicable. Functional consequence: cryptic splice site, retained intron. Not counted in ClinVar's aggregate classification.

NM_014874.4(MFN2):c.957C>T (p.Gly319=)

Gene: MFN2 (mitofusin 2; plus strand). Cytogenetic location: 1p36.22.
Variant type: single nucleotide variant.
Coding change: c.957C>T on transcript NM_014874.4 (MANE Select); coding-DNA position 957, C replaced by T.
Protein change: p.Gly319=; no amino-acid change (glycine 319 retained).
Molecular consequence: synonymous variant.
Genome position (GRCh38, 1-based): chr1:12,001,541, C>T. VCF-style: chr1-12001541-C-T. GRCh37 (hg19) VCF-style: chr1-12061598-C-T.
Other names: p.G319G:GGC>GGT; p.Gly319=; c.957C>T, p.Gly319= (NM_001127660.2).
Identifiers: ClinVar variation 138212 (VCV000138212.60), dbSNP rs41278632, ClinGen allele CA292067.
Genomic context (GRCh38, chr1:12,001,541, plus strand): 5'-CCGCATCTTCTTTGTGTCTGCTAAGGAGGTGCTCAACGCCAGGATTCAGAAAGCCCAGGG[C>T]ATGCCTGAAGGAGGTAATGATGAGAACAGATGTCCTCCTTTTCTCTGATGTTTGAGACAT-3'
Protein context (NP_055689.1, residues 309-329): VLNARIQKAQ[Gly319=]MPEGGGALAE